The following is an entry in ClinVar:

NM_021912.5(GABRB3):c.51C>G (p.Thr17=)

Gene: GABRB3 (gamma-aminobutyric acid type A receptor subunit beta3; minus strand). Cytogenetic location: 15q12.
Variant type: single nucleotide variant.
Coding change: c.51C>G on transcript NM_021912.5; coding-DNA position 51, C replaced by G.
Protein change: p.Thr17=; no amino-acid change (threonine 17 retained).
Molecular consequence: synonymous variant.
Genome position (GRCh38, 1-based): chr15:26,773,674, G>C on the plus strand (C>G on the coding strand, the complement: GABRB3 is on the minus strand). VCF-style: chr15-26773674-G-C. GRCh37 (hg19) VCF-style: chr15-27018821-G-C.
Identifiers: ClinVar variation 1259935 (VCV001259935.14), dbSNP rs201850683, ClinGen allele CA7437617.
Genomic context (GRCh38, chr15:26,773,674, plus strand): 5'-CCTGCAGAACGCCGGGAAGCCCCCGCCTCACCTGCGGGGCTCAGAGCCTCGGGTCCCCAG[G>C]GTCCAGGAGAGCCAGATGGGCAGCAGGAGCTCCAGGAGCCCGGAGCACATGGCGCTGTTC-3'

ClinVar aggregate classification (germline): Benign/Likely benign. Review status: criteria provided, multiple submitters, no conflicts (2 of 4 stars). 2 submissions from 2 submitters: Benign (1); Likely benign (1). Last evaluated 2025-05-01.

Allele frequency attached by ClinVar (database versions not stated): ExAC 0.00013; 1000 Genomes Project 0.00080; gnomAD 0.00002 and 0.00004; 1000 Genomes Project 30x 0.00078; TOPMed 0.00007; gnomAD exomes 0.00010.
gnomAD v4.1: 33 of 1,574,446 alleles (0.0021%); highest among the groups gnomAD compares: East Asian, 0.072%; no homozygotes.

Submissions (2):

CeGaT Center for Human Genetics Tuebingen
Classification: Likely benign. Last evaluated: 2025-05-01. Review status: criteria provided, single submitter. Criteria: CeGaT Center For Human Genetics Tuebingen Variant Classification Criteria Version 2. Collection method: clinical testing. Allele origin: germline. Affected: yes. Observed: 1 variant allele.
Comment: GABRB3: BP4, BP7

GeneDx
Classification: Benign. Last evaluated: 2021-05-17. Review status: criteria provided, single submitter. Criteria: GeneDx Variant Classification Process June 2021. Collection method: clinical testing. Allele origin: germline. Affected: yes.
Comment: This variant is associated with the following publications: (PMID: 24865167, 24999380)